The following is an entry in ClinVar:

ClinVar aggregate classification (germline): Pathogenic/Likely pathogenic. Review status: criteria provided, multiple submitters, no conflicts (2 of 4 stars). 8 submissions from 8 submitters: Pathogenic (5); Likely pathogenic (3). Last evaluated 2026-01-20.

Conditions:
Glutaric acidemia type 2C.
Multiple acyl-CoA dehydrogenase deficiency (MADD). Also called: ETHYLMALONIC-ADIPICACIDURIA; GA II; Glutaric aciduria, type 2; Glutaric acidemia type II; GA 2; Glutaric Acidemia type 2. Identifiers: Orphanet 26791, MedGen C0268596, MONDO:0009282, OMIM 231680.
ETFDH-related disorder. Also called: ETFDH-related condition.

Allele frequency attached by ClinVar (database versions not stated): gnomAD exomes below 0.00001 and 0.00001; ExAC 0.00001; TOPMed 0.00002; gnomAD 0.00003; ESP Exome Variant Server 0.00008.

Submissions (8):

Labcorp Genetics (formerly Invitae), Labcorp
Classification: Pathogenic for Multiple acyl-CoA dehydrogenase deficiency. Last evaluated: 2026-01-20. Review status: criteria provided, single submitter. Criteria: Invitae Variant Classification Sherloc (09022015). Collection method: clinical testing. Allele origin: germline.
Comment: This sequence change creates a premature translational stop signal (p.Cys592*) in the ETFDH gene. While this is not anticipated to result in nonsense mediated decay, it is expected to disrupt the last 26 amino acid(s) of the ETFDH protein. This variant is present in population databases (rs767795266, gnomAD 0.0009%). This premature translational stop signal has been observed in individual(s) with multiple acyl-CoA dehydrogenase deficiency (PMID: 24357026; internal data). ClinVar contains an entry for this variant (Variation ID: 235695). This variant disrupts a region of the ETFDH protein in which other variant(s) (p.Trp603*) have been determined to be pathogenic (internal data). This suggests that this is a clinically significant region of the protein, and that variants that disrupt it are likely to be disease-causing. For these reasons, this variant has been classified as Pathogenic.

Natera, Inc.
Classification: Pathogenic for Glutaric acidemia type 2C. Last evaluated: 2025-06-06. Review status: criteria provided, single submitter. Criteria: Natera Variant Classification Schema (03/2026). Collection method: clinical testing. Allele origin: germline.
Comment: The c.1773_1774delAT variant in ETFDH is a frameshift variant predicted to shift the reading frame and introduce a stop codon. This variant is expected to result in nonsense mediated decay, truncation, or a dysfunctional protein product. This variant is rare in the general population with a frequency below the threshold expected for the associated phenotype(s). This variant has been observed in one or more individuals affected with the associated recessive disease, as either homozygous or compound heterozygous with a second variant (PMID: 24522293, 38582244, 24357026, 35309592). This variant has been found together with another disease-causing variant in the same copy of the gene (PMID: 24522293). Given the available evidence, this variant is classified as Pathogenic.

Baylor Genetics
Classification: Pathogenic for Multiple acyl-CoA dehydrogenase deficiency. Last evaluated: 2024-02-27. Review status: criteria provided, single submitter. Criteria: ACMG Guidelines, 2015. Collection method: clinical testing. Allele origin: unknown.

Blueprint Genetics
Classification: Likely pathogenic for ETFDH-related disorders. Last evaluated: 2023-12-05. Review status: criteria provided, single submitter. Criteria: ACMG Guidelines, 2015. Collection method: clinical testing. Allele origin: germline. Affected: yes. Observed: 3 variant alleles.

CeGaT Center for Human Genetics Tuebingen
Classification: Likely pathogenic. Last evaluated: 2022-08-01. Review status: criteria provided, single submitter. Criteria: CeGaT Center For Human Genetics Tuebingen Variant Classification Criteria Version 2. Collection method: clinical testing. Allele origin: germline. Affected: yes. Observed: 1 variant allele.
Comment: ETFDH: PM1, PM2, PM3, PVS1:Moderate

Fulgent Genetics
Classification: Likely pathogenic for Multiple acyl-CoA dehydrogenase deficiency. Last evaluated: 2022-01-19. Review status: criteria provided, single submitter. Criteria: ACMG Guidelines, 2015. Collection method: clinical testing. Allele origin: unknown.

Center for Pediatric Genomic Medicine, Children's Mercy Hospital and Clinics
Classification: Pathogenic. Last evaluated: 2015-08-26. Review status: criteria provided, single submitter. Criteria: ACMG Guidelines, 2015. Collection method: clinical testing. Allele origin: germline.

Juno Genomics, Hangzhou Juno Genomics, Inc
Classification: Pathogenic for Multiple acyl-CoA dehydrogenase deficiency. Review status: criteria provided, single submitter. Criteria: ACMG Guidelines, 2015. Collection method: clinical testing. Allele origin: germline. Affected: yes.
Comment: Absent from controls (or at extremely low frequency if recessive) in Genome Aggregation Database, Exome Sequencing Project, 1000 Genomes Project, or Exome Aggregation Consortium.;Null variant in a gene where loss of function (LOF) is a known mechanism of disease.;For recessive disorders, detected in trans with a pathogenic variant.;Patient's phenotype or family history is highly specific for a disease with a single genetic etiology.

Literature cited by the submitters: PubMed 24357026 (cited by Labcorp Genetics (formerly Invitae), Labcorp and Natera, Inc.); PubMed 24522293 (cited by Natera, Inc.); PubMed 38582244 (cited by Natera, Inc.); PubMed 35309592 (cited by Natera, Inc.).

NM_004453.4(ETFDH):c.1773_1774del (p.Thr591_Cys592insTer)

Gene: ETFDH (electron transfer flavoprotein dehydrogenase; plus strand). Cytogenetic location: 4q32.1.
Variant type: Deletion.
Coding change: c.1773_1774del on transcript NM_004453.4 (MANE Select); coding-DNA positions 1773 to 1774, 2 bases deleted (AT; older notation c.1773_1774delAT).
Protein change: p.Thr591_Cys592insTer.
Molecular consequence: frameshift variant.
Genome position (GRCh38, 1-based): chr4:158,708,446-158,708,447, AT deleted. VCF-style (leftmost placement, unchanged base first): chr4-158708445-CAT-C. GRCh37 (hg19) VCF-style: chr4-159629597-CAT-C.
Other names: c.1632_1633del, p.Thr544_Cys545insTer (NM_001281737.2); c.1590_1591del, p.Thr530_Cys531insTer (NM_001281738.1).
Identifiers: ClinVar variation 235695 (VCV000235695.42), dbSNP rs767795266, ClinGen allele CA3122720.